The following is an entry in ClinVar:

ClinVar aggregate classification (germline): Uncertain significance (1 of 4 stars; one submission).

Allele frequency attached by ClinVar (database versions not stated): gnomAD exomes below 0.00001; ExAC 0.00001.
gnomAD v4.1: 1 of 1,607,856 alleles (0.000062%); highest among the groups gnomAD compares: Non-Finnish European, 0.000085%; no homozygotes.

Submission:

Labcorp Genetics (formerly Invitae), Labcorp
Classification: Uncertain significance. Last evaluated: 2024-11-05. Review status: criteria provided, single submitter. Criteria: Invitae Variant Classification Sherloc (09022015). Collection method: clinical testing. Allele origin: germline.
Comment: This sequence change replaces leucine, which is neutral and non-polar, with proline, which is neutral and non-polar, at codon 127 of the DDX58 protein (p.Leu127Pro). The frequency data for this variant in the population databases is considered unreliable, as metrics indicate poor data quality at this position in the gnomAD database. This variant has not been reported in the literature in individuals affected with DDX58-related conditions. ClinVar contains an entry for this variant (Variation ID: 2085664). An algorithm developed to predict the effect of missense changes on protein structure and function (PolyPhen-2) suggests that this variant is likely to be disruptive. In summary, the available evidence is currently insufficient to determine the role of this variant in disease. Therefore, it has been classified as a Variant of Uncertain Significance.

NM_014314.4(RIGI):c.380T>C (p.Leu127Pro)

Gene: RIGI (RNA sensor RIG-I; minus strand). Cytogenetic location: 9p21.1.
Variant type: single nucleotide variant.
Coding change: c.380T>C on transcript NM_014314.4 (MANE Select); coding-DNA position 380, T replaced by C.
Protein change: p.Leu127Pro; replaces leucine 127 with proline.
Molecular consequence: missense variant. On other transcripts: 5 prime UTR variant (3).
Genome position (GRCh38, 1-based): chr9:32,493,804, A>G on the plus strand (T>C on the coding strand, the complement: RIGI is on the minus strand). VCF-style: chr9-32493804-A-G. GRCh37 (hg19) VCF-style: chr9-32493802-A-G.
Other names: c.380T>C, p.Leu127Pro (NM_001385907.1, NM_001385909.1, NM_001385913.1); c.-75T>C (NM_001385910.1, NM_001385914.1); c.-82T>C (NM_001385912.1); short protein forms L127P.
Identifiers: ClinVar variation 2085664 (VCV002085664.4), dbSNP rs781550090, ClinGen allele CA5020107.